The following is an entry in ClinVar:

NM_000051.4(ATM):c.8139A>C (p.Arg2713Ser)

Genes: ATM (ATM serine/threonine kinase; plus strand), C11orf65 (chromosome 11 open reading frame 65; minus strand). Cytogenetic location: 11q22.3.
Variant type: single nucleotide variant.
Coding change: c.8139A>C on transcript NM_000051.4 (MANE Select); coding-DNA position 8139, A replaced by C.
Protein change: p.Arg2713Ser; replaces arginine 2713 with serine.
Molecular consequence: missense variant. On other transcripts: intron variant (2).
Genome position (GRCh38, 1-based): chr11:108,335,097, A>C. VCF-style: chr11-108335097-A-C. GRCh37 (hg19) VCF-style: chr11-108205824-A-C.
Other names: c.8139A>C, p.Arg2713Ser (NM_001351834.2); c.641-26026T>G (NM_001330368.2); c.*38+123T>G (NM_001351110.2); short protein forms R2713S.
Identifiers: ClinVar variation 2122353 (VCV002122353.4), dbSNP rs2136664564, ClinGen allele CA382562224.

ClinVar aggregate classification (germline): Uncertain significance (1 of 4 stars; one submission).

Conditions:
Ataxia-telangiectasia syndrome (AT). Also called: ATAXIA-TELANGIECTASIA, COMPLEMENTATION GROUP A; ATAXIA-TELANGIECTASIA, FRESNO VARIANT; Ataxia-telangiectasia; Ataxia-telangiectasia, complementation group E; LOUIS-BAR SYNDROME; Cerebello-oculocutaneous telangiectasia. Identifiers: Orphanet 100, MedGen C0004135, MONDO:0008840, OMIM 208900.

Submission:

Labcorp Genetics (formerly Invitae), Labcorp
Classification: Uncertain significance for Ataxia-telangiectasia syndrome. Last evaluated: 2022-04-07. Review status: criteria provided, single submitter. Criteria: Invitae Variant Classification Sherloc (09022015). Collection method: clinical testing. Allele origin: germline.
Comment: This sequence change replaces arginine, which is basic and polar, with serine, which is neutral and polar, at codon 2713 of the ATM protein (p.Arg2713Ser). This variant is not present in population databases (gnomAD no frequency). This variant has not been reported in the literature in individuals affected with ATM-related conditions. Advanced modeling of protein sequence and biophysical properties (such as structural, functional, and spatial information, amino acid conservation, physicochemical variation, residue mobility, and thermodynamic stability) performed at Invitae indicates that this missense variant is expected to disrupt ATM protein function. In summary, the available evidence is currently insufficient to determine the role of this variant in disease. Therefore, it has been classified as a Variant of Uncertain Significance.